The following is an entry in ClinVar:

ClinVar aggregate classification (germline): Uncertain significance (1 of 4 stars; one submission).

Conditions:
Malignant hyperthermia, susceptibility to, 1 (MHS1). Also called: Anesthesia related hyperthermia; Malignant hyperpyrexia; Fulminating hyperpyrexia; Pharmacogenic myopathy; RYR1-Related Malignant Hyperthermia Susceptibility; Malignant hyperthermia suceptibility 1. Identifiers: Orphanet 423, MedGen C2930980, MONDO:0007783, OMIM 145600.

Submission:

All of Us Research Program, National Institutes of Health
Classification: Uncertain significance for Malignant hyperthermia, susceptibility to, 1. Last evaluated: 2023-08-23. Review status: criteria provided, single submitter. Criteria: ACMG Guidelines, 2015. Collection method: clinical testing. Allele origin: germline. Inheritance: Autosomal dominant inheritance. Observed: 1 variant allele, 1 heterozygote.
Comment: This missense variant replaces arginine with leucine at codon 829 of the RYR1 protein. Computational prediction suggests that this variant may not impact protein structure and function (internally defined REVEL score threshold <= 0.5, PMID: 27666373). To our knowledge, functional studies have not been reported for this variant. This variant has not been reported in individuals affected with RYR1-related disorders in the literature. This variant has not been identified in the general population by the Genome Aggregation Database (gnomAD). The available evidence is insufficient to determine the role of this variant in disease conclusively. Therefore, this variant is classified as a Variant of Uncertain Significance.

This study involves interpretation of variants in research participants for the purpose of population health screening. Participant phenotype was not available at the time of variant classification. Additional details can be found in publication PMID: 35346344, PMCID: PMC8962531

NM_000540.3(RYR1):c.2486G>T (p.Arg829Leu)

Gene: RYR1 (ryanodine receptor 1; plus strand). Cytogenetic location: 19q13.2.
Variant type: single nucleotide variant.
Coding change: c.2486G>T on transcript NM_000540.3 (MANE Select); coding-DNA position 2486, G replaced by T.
Protein change: p.Arg829Leu; replaces arginine 829 with leucine.
Molecular consequence: missense variant.
Genome position (GRCh38, 1-based): chr19:38,460,500, G>T. VCF-style: chr19-38460500-G-T. GRCh37 (hg19) VCF-style: chr19-38951140-G-T.
Other names: c.2486G>T, p.Arg829Leu (NM_001042723.2); short protein forms R829L.
Identifiers: ClinVar variation 3073112 (VCV003073112.1), dbSNP rs372652716, ClinGen allele CA405629588.
Genomic context (GRCh38, chr19:38,460,500, plus strand): 5'-CATGCCATGAGGCTGTGCTCCCTCGAGAGCGACTCCATCTTGAACCCATCAAGGAGTATC[G>T]ACGGGAGGGGCCCCGGGGGCCTCACCTGGTGGGCCCCAGTCGCTGCCTCTCACACACCGA-3'
Protein context (NP_000531.2, residues 819-839): RLHLEPIKEY[Arg829Leu]REGPRGPHLV